The following is an entry in ClinVar:

ClinVar aggregate classification (germline): Conflicting classifications of pathogenicity. Review status: criteria provided, conflicting classifications (1 of 4 stars). 5 submissions from 5 submitters: Uncertain significance (3); Likely benign (1). 1 of the submissions does not count toward it. Last evaluated 2026-01-21.

Conditions:
Neuropathy, hereditary sensory, type 2C. Also called: KIF1A-Related HSAN2 (HSAN2C); Hereditary sensory and autonomic neuropathy type IIC. Identifiers: Orphanet 970, MedGen C3280168, MONDO:0013634, OMIM 614213.
Intellectual disability, autosomal dominant 9 (NESCAVS). Also called: KIF1A-Related Neurodevelopmental Disorder; NESCAV SYNDROME. Identifiers: Orphanet 662367, MedGen C5393830, MONDO:0013656, OMIM 614255.
Hereditary spastic paraplegia 30. Identifiers: Orphanet 101010, MedGen C5235139, MONDO:0012476.

Allele frequency attached by ClinVar (database versions not stated): gnomAD 0.00001; TOPMed 0.00001; ExAC 0.00003; gnomAD exomes 0.00004 and 0.00008.
gnomAD v4.1: 109 of 1,600,888 alleles (0.0068%); highest among the groups gnomAD compares: Non-Finnish European, 0.0088%; no homozygotes.

Submissions (5):

Labcorp Genetics (formerly Invitae), Labcorp
Classification: Likely benign for Hereditary spastic paraplegia 30; Neuropathy, hereditary sensory, type 2C; Intellectual disability, autosomal dominant 9. Last evaluated: 2026-01-21. Review status: criteria provided, single submitter. Criteria: Invitae Variant Classification Sherloc (09022015). Collection method: clinical testing. Allele origin: germline.

GeneDx
Classification: Uncertain significance. Last evaluated: 2025-06-20. Review status: criteria provided, single submitter. Criteria: GeneDx Variant Classification Process June 2021. Collection method: clinical testing. Allele origin: germline. Affected: yes.
Comment: In silico analysis suggests that this missense variant does not alter protein structure/function; Has not been previously published as pathogenic or benign to our knowledge; This variant is associated with the following publications: (PMID: 32737135, 31488895, 31455732)

Blueprint Genetics
Classification: Uncertain significance. Last evaluated: 2023-10-11. Review status: criteria provided, single submitter. Criteria: ACMG Guidelines, 2015. Collection method: clinical testing. Allele origin: germline.

Victorian Clinical Genetics Services, Murdoch Childrens Research Institute
Classification: Uncertain significance for Neuropathy, hereditary sensory, type 2C. Last evaluated: 2022-02-02. Review status: criteria provided, single submitter. Criteria: ACMG Guidelines, 2015. Collection method: clinical testing. Allele origin: germline. Inheritance: Autosomal recessive inheritance. Affected: yes.
Comment: Based on the classification scheme VCGS_Germline_v1.3.4, this variant is classified as VUS-3C. Following criteria are met: 0103 - Dominant negative, loss of function and gain of function are known mechanisms of disease in this gene. Dominant negative effect has been shown to cause NESCAV syndrome (MIM#614255; OMIM). Both loss and gain of function mechanisms have been reported for variants causing spastic paraplegia (MIM#610357, MIM#610357) and hereditary sensory and autonomic neuropathy type 2 (HSAN2; MIM#614213) (PMID: 31488895, 31455732). (I) 0108 - This gene is known to be associated with both recessive and dominant disease. Genotype-phenotype correlation is currently unestablished. Missense variants tend to cluster within the kinesin motor domain and have been reported for both SPG30 and NESCAV syndrome. Only the correlation for HSAN2 (MIM#614213) is established with all patients except for one, carrying null variants outside the motor domain (PMID: 32737135). (I) 0200 - Variant is predicted to result in a missense amino acid change from threonine to methionine. (I) 0251 - This variant is heterozygous. (I) 0304 - Variant is present in gnomAD <0.01 (v2: 10 heterozygotes, 0 homozygotes). (SP) 0309 - An alternative amino acid change at the same position has been observed in gnomAD (v2: 1 heterozygote, 0 homozygotes). (I) 0504 - Same amino acid change has been observed in placental mammals. (SB) 0604 - Variant is not located in an established domain, motif, hotspot or informative constraint region. (I) 0705 - No comparable missense variants have previous evidence for pathogenicity. (I) 0809 - Previous evidence of pathogenicity for this variant is inconclusive. It has been classified as variant of uncertain significance by a diagnostic laboratory in Clinvar. (I) 0905 - No published segregation evidence has been identified for this variant. (I) 1007 - No published functional evidence has been identified for this variant. (I) 1208 - Inheritance information for this variant is not currently available in this individual. (I) Legend: (SP) - Supporting pathogenic, (I) - Information, (SB) - Supporting benign

Neuberg Centre For Genomic Medicine, NCGM
Classification: Pathogenic for Spastic paraplegia 30A, autosomal dominant. Review status: flagged submission. Criteria: ACMG Guidelines, 2015. Collection method: clinical testing. Allele origin: germline. Inheritance: Autosomal dominant inheritance. Affected: yes. Not counted in ClinVar's aggregate classification.
Comment: The missense variant c.2357C>T (p.Thr786Met) in KIF1A gene has been submitted to ClinVar as a Variant of Uncertain Significance, but no details are available for independent assessment. This variant is reported with the allele frequency (0.003%) in the gnomAD and novel in 1000 genome database. The amino acid Thr at position 786 is changed to a Met changing protein sequence and it might alter its composition and physico-chemical properties. The amino acid change p.Thr786Met in KIF1A is predicted as conserved by GERP++ and PhyloP across 100 vertebrates. For these reasons, this variant has been classified as Variant of Uncertain Significance.
ClinVar note: Reason: Other submission error

Literature cited by the submitters: PubMed 31455732 (cited by Victorian Clinical Genetics Services, Murdoch Childrens Research Institute); PubMed 31488895 (cited by Victorian Clinical Genetics Services, Murdoch Childrens Research Institute); PubMed 32737135 (cited by Victorian Clinical Genetics Services, Murdoch Childrens Research Institute).

NM_001244008.2(KIF1A):c.2357C>T (p.Thr786Met)

Gene: KIF1A (kinesin family member 1A; minus strand). Cytogenetic location: 2q37.3.
Variant type: single nucleotide variant.
Coding change: c.2357C>T on transcript NM_001244008.2 (MANE Select); coding-DNA position 2357, C replaced by T.
Protein change: p.Thr786Met; replaces threonine 786 with methionine.
Molecular consequence: missense variant.
Genome position (GRCh38, 1-based): chr2:240,760,752, G>A on the plus strand (C>T on the coding strand, the complement: KIF1A is on the minus strand). VCF-style: chr2-240760752-G-A. GRCh37 (hg19) VCF-style: chr2-241700169-G-A.
Other names: c.2330C>T (NM_004321.7); c.2357C>T, p.Thr786Met (NM_001320705.2, NM_001330289.2, NM_001379638.1); c.2432C>T, p.Thr811Met (NM_001330290.2, NM_001379631.1, NM_001379634.1 and 2 more transcripts); c.2330C>T, p.Thr777Met (NM_001379632.1, NM_001379633.1, NM_001379636.1 and 10 more transcripts); c.2405C>T, p.Thr802Met (NM_001379637.1, NM_001379648.1); short protein forms T777M, T786M, T802M, T811M.
Identifiers: ClinVar variation 945099 (VCV000945099.13), dbSNP rs766807173, ClinGen allele CA2208118.
Genomic context (GRCh38, chr2:240,760,752, plus strand): 5'-GTGGCCCCGTTCTTCTGGTCCTGGACCTCCACGGCCACAATGGTGCGGGGGAAGGGCCGC[G>A]TCTCTCGGTCTTTGGCGGCCTCTGGGGGCAGCAGGTCGGGTGGCAGAGGGGAGTAGAGTG-3'
Protein context (NP_001230937.1, residues 776-796): LPPEAAKDRE[Thr786Met]RPFPRTIVAV